The following is an entry in ClinVar:

ClinVar aggregate classification (germline): Likely benign. Review status: criteria provided, multiple submitters, no conflicts (2 of 4 stars). 5 submissions from 5 submitters: Likely benign (4). 1 of the submissions does not count toward it. Last evaluated 2026-03-05.

Conditions:
CAMK2B-related disorder. Also called: CAMK2B-related condition.

Allele frequency attached by ClinVar (database versions not stated): gnomAD 0.00005 and 0.00006; TOPMed 0.00005; gnomAD exomes 0.00006 and 0.00007; ESP Exome Variant Server 0.00008; ExAC 0.00012.
gnomAD v4.1: 89 of 1,612,476 alleles (0.0055%); highest among the groups gnomAD compares: Non-Finnish European, 0.0073%; no homozygotes.

Submissions (5):

Women's Health and Genetics/Laboratory Corporation of America, LabCorp
Classification: Likely benign. Last evaluated: 2026-03-05. Review status: criteria provided, single submitter. Criteria: LabCorp Variant Classification Summary - May 2015. Collection method: clinical testing. Allele origin: germline.

Labcorp Genetics (formerly Invitae), Labcorp
Classification: Likely benign. Last evaluated: 2025-10-13. Review status: criteria provided, single submitter. Criteria: Invitae Variant Classification Sherloc (09022015). Collection method: clinical testing. Allele origin: germline.

Blueprint Genetics
Classification: Likely benign. Last evaluated: 2024-10-08. Review status: criteria provided, single submitter. Criteria: ACMG Guidelines, 2015. Collection method: clinical testing. Allele origin: germline.

CeGaT Center for Human Genetics Tuebingen
Classification: Likely benign. Last evaluated: 2022-04-01. Review status: criteria provided, single submitter. Criteria: CeGaT Center For Human Genetics Tuebingen Variant Classification Criteria Version 2. Collection method: clinical testing. Allele origin: germline. Affected: yes. Observed: 2 variant alleles.
Comment: CAMK2B: BP4, BP7

PreventionGenetics, part of Exact Sciences
Classification: Likely benign for CAMK2B-related condition. Last evaluated: 2019-03-26. Review status: no assertion criteria provided. Collection method: clinical testing. Allele origin: germline. Not counted in ClinVar's aggregate classification.
Comment: This variant is classified as likely benign based on ACMG/AMP sequence variant interpretation guidelines (Richards et al. 2015 PMID: 25741868, with internal and published modifications).

NM_001220.5(CAMK2B):c.1887G>A (p.Gln629=)

Gene: CAMK2B (calcium/calmodulin dependent protein kinase II beta; minus strand). Cytogenetic location: 7p13.
Variant type: single nucleotide variant.
Coding change: c.1887G>A on transcript NM_001220.5 (MANE Select); coding-DNA position 1887, G replaced by A.
Protein change: p.Gln629=; no amino-acid change (glutamine 629 retained).
Molecular consequence: synonymous variant.
Genome position (GRCh38, 1-based): chr7:44,220,176, C>T on the plus strand (G>A on the coding strand, the complement: CAMK2B is on the minus strand). VCF-style: chr7-44220176-C-T. GRCh37 (hg19) VCF-style: chr7-44259775-C-T.
Other names: c.1515G>A, p.Gln505= (NM_001293170.2, NM_172078.3); c.1443G>A, p.Gln481= (NM_172079.3); c.1440G>A, p.Gln480= (NM_172080.3); c.1398G>A, p.Gln466= (NM_172081.3); c.1365G>A, p.Gln455= (NM_172082.3); c.1326G>A, p.Gln442= (NM_172083.3); c.1236G>A, p.Gln412= (NM_172084.3); c.1887G>A (NM_001220.4).
Identifiers: ClinVar variation 1299068 (VCV001299068.45), dbSNP rs369973326, ClinGen allele CA4240074.